The following is an entry in ClinVar:

NM_022437.3(ABCG8):c.175G>T (p.Ala59Ser)

Gene: ABCG8 (ATP binding cassette subfamily G member 8; plus strand). Cytogenetic location: 2p21.
Variant type: single nucleotide variant.
Coding change: c.175G>T on transcript NM_022437.3 (MANE Select); coding-DNA position 175, G replaced by T.
Protein change: p.Ala59Ser; replaces alanine 59 with serine.
Molecular consequence: missense variant.
Genome position (GRCh38, 1-based): chr2:43,846,164, G>T. VCF-style: chr2-43846164-G-T. GRCh37 (hg19) VCF-style: chr2-44073303-G-T.
Other names: c.175G>T, p.Ala59Ser (NM_001357321.2); short protein forms A59S.
Identifiers: ClinVar variation 895098 (VCV000895098.6), dbSNP rs779861537, ClinGen allele CA1636933.

ClinVar aggregate classification (germline): Uncertain significance. Review status: criteria provided, multiple submitters, no conflicts (2 of 4 stars). 3 submissions from 3 submitters: Uncertain significance (3). Last evaluated 2023-11-04.

Conditions:
Sitosterolemia 1. Identifiers: MedGen C2749759, MONDO:0020747, OMIM 210250.
Cardiovascular phenotype. Identifiers: MedGen CN230736.

Allele frequency attached by ClinVar (database versions not stated): ExAC 0.00001; gnomAD 0.00001; gnomAD exomes 0.00001.
gnomAD v4.1: 4 of 1,613,274 alleles (0.00025%); highest among the groups gnomAD compares: Middle Eastern, 0.018%; no homozygotes.

Submissions (3):

Ambry Genetics
Classification: Uncertain significance for Cardiovascular phenotype. Last evaluated: 2023-11-04. Review status: criteria provided, single submitter. Criteria: Ambry Variant Classification Scheme 2023. Collection method: clinical testing. Allele origin: germline.
Comment: The p.A59S variant (also known as c.175G>T), located in coding exon 3 of the ABCG8 gene, results from a G to T substitution at nucleotide position 175. The alanine at codon 59 is replaced by serine, an amino acid with similar properties. This amino acid position is conserved. In addition, this alteration is predicted to be tolerated by in silico analysis. Since supporting evidence is limited at this time, the clinical significance of this alteration remains unclear.

Labcorp Genetics (formerly Invitae), Labcorp
Classification: Uncertain significance. Last evaluated: 2022-04-05. Review status: criteria provided, single submitter. Criteria: Invitae Variant Classification Sherloc (09022015). Collection method: clinical testing. Allele origin: germline.
Comment: This sequence change replaces alanine, which is neutral and non-polar, with serine, which is neutral and polar, at codon 59 of the ABCG8 protein (p.Ala59Ser). This variant is present in population databases (rs779861537, gnomAD 0.002%). This variant has not been reported in the literature in individuals affected with ABCG8-related conditions. ClinVar contains an entry for this variant (Variation ID: 895098). Algorithms developed to predict the effect of missense changes on protein structure and function output the following: SIFT: "Tolerated"; PolyPhen-2: "Benign"; Align-GVGD: "Class C0". The serine amino acid residue is found in multiple mammalian species, which suggests that this missense change does not adversely affect protein function. In summary, the available evidence is currently insufficient to determine the role of this variant in disease. Therefore, it has been classified as a Variant of Uncertain Significance.

Illumina Laboratory Services, Illumina
Classification: Uncertain significance for Sitosterolemia 1. Last evaluated: 2018-01-13. Review status: criteria provided, single submitter. Criteria: ICSL Variant Classification Criteria 13 December 2019. Collection method: clinical testing. Allele origin: germline.